The following is an entry in ClinVar:

ClinVar aggregate classification (germline): Uncertain significance. Review status: criteria provided, multiple submitters, no conflicts (2 of 4 stars). 2 submissions from 2 submitters: Uncertain significance (2). Last evaluated 2025-10-22.

Conditions:
POLD1-related polyposis and colorectal cancer syndrome (CRCS10). Also called: Colorectal cancer 10; COLORECTAL CANCER, SUSCEPTIBILITY TO, ON CHROMOSOME 19q; Colorectal cancer, susceptibility to, 10. Identifiers: Orphanet 220460, MedGen C2675481, MONDO:0012953, OMIM 612591.
Hereditary cancer-predisposing syndrome. Also called: Tumor predisposition; Neoplastic Syndromes, Hereditary; Hereditary Cancer Syndrome; Hereditary neoplastic syndrome. Identifiers: Orphanet 140162, MedGen C0027672, MeSH D009386, MONDO:0015356.

Allele frequency attached by ClinVar (database versions not stated): gnomAD exomes below 0.00001; TOPMed below 0.00001; gnomAD 0.00001.
gnomAD v4.1: 3 of 1,607,168 alleles (0.00019%); highest among the groups gnomAD compares: East Asian, 0.0045%; no homozygotes.

Submissions (2):

Labcorp Genetics (formerly Invitae), Labcorp
Classification: Uncertain significance for POLD1-related polyposis and colorectal cancer syndrome. Last evaluated: 2025-10-22. Review status: criteria provided, single submitter. Criteria: Invitae Variant Classification Sherloc (09022015). Collection method: clinical testing. Allele origin: germline.
Comment: This sequence change replaces serine, which is neutral and polar, with alanine, which is neutral and non-polar, at codon 557 of the POLD1 protein (p.Ser557Ala). This variant is present in population databases (no rsID available, gnomAD 0.006%). This variant has not been reported in the literature in individuals affected with POLD1-related conditions. ClinVar contains an entry for this variant (Variation ID: 575676). Invitae Evidence Modeling of protein sequence and biophysical properties (such as structural, functional, and spatial information, amino acid conservation, physicochemical variation, residue mobility, and thermodynamic stability) indicates that this missense variant is not expected to disrupt POLD1 protein function with a negative predictive value of 80%. In summary, the available evidence is currently insufficient to determine the role of this variant in disease. Therefore, it has been classified as a Variant of Uncertain Significance.

Ambry Genetics
Classification: Uncertain significance for Hereditary cancer-predisposing syndrome. Last evaluated: 2024-11-06. Review status: criteria provided, single submitter. Criteria: Ambry Variant Classification Scheme 2023. Collection method: clinical testing. Allele origin: germline.
Comment: The p.S557A variant (also known as c.1669T>G), located in coding exon 12 of the POLD1 gene, results from a T to G substitution at nucleotide position 1669. The serine at codon 557 is replaced by alanine, an amino acid with similar properties. This amino acid position is conserved. In addition, this alteration is predicted to be tolerated by in silico analysis. Based on the available evidence, the clinical significance of this variant remains unclear.

NM_002691.4(POLD1):c.1669T>G (p.Ser557Ala)

Gene: POLD1 (DNA polymerase delta 1, catalytic subunit; plus strand). Cytogenetic location: 19q13.33.
Variant type: single nucleotide variant.
Coding change: c.1669T>G on transcript NM_002691.4 (MANE Select); coding-DNA position 1669, T replaced by G.
Protein change: p.Ser557Ala; replaces serine 557 with alanine.
Molecular consequence: missense variant. On other transcripts: non-coding transcript variant (1).
Genome position (GRCh38, 1-based): chr19:50,407,157, T>G. VCF-style: chr19-50407157-T-G. GRCh37 (hg19) VCF-style: chr19-50910414-T-G.
Other names: c.1669T>G, p.Ser557Ala (NM_001256849.1, NM_001308632.1); c.1669T>G (NM_002691.2); short protein forms S557A.
Identifiers: ClinVar variation 575676 (VCV000575676.9), dbSNP rs1215760107, ClinGen allele CA406981091.